The following is an entry in ClinVar:

ClinVar aggregate classification (germline): Uncertain significance (1 of 4 stars; one submission).

Allele frequency attached by ClinVar (database versions not stated): TOPMed below 0.00001; gnomAD 0.00001; gnomAD exomes 0.00001 and 0.00003; ExAC 0.00002; 1000 Genomes Project 30x 0.00016; 1000 Genomes Project 0.00020.
gnomAD v4.1: 21 of 1,614,224 alleles (0.0013%); highest among the groups gnomAD compares: South Asian, 0.022%; 1 homozygote.

Submission:

Labcorp Genetics (formerly Invitae), Labcorp
Classification: Uncertain significance. Last evaluated: 2021-10-29. Review status: criteria provided, single submitter. Criteria: Invitae Variant Classification Sherloc (09022015). Collection method: clinical testing. Allele origin: germline.
Comment: This sequence change replaces valine, which is neutral and non-polar, with methionine, which is neutral and non-polar, at codon 114 of the TPP1 protein (p.Val114Met). This variant is present in population databases (rs552111650, gnomAD 0.02%). This variant has not been reported in the literature in individuals affected with TPP1-related conditions. Algorithms developed to predict the effect of missense changes on protein structure and function are either unavailable or do not agree on the potential impact of this missense change (SIFT: "Deleterious"; PolyPhen-2: "Probably Damaging"; Align-GVGD: "Class C0"). In summary, the available evidence is currently insufficient to determine the role of this variant in disease. Therefore, it has been classified as a Variant of Uncertain Significance.

NM_000391.4(TPP1):c.340G>A (p.Val114Met)

Gene: TPP1 (tripeptidyl peptidase 1; minus strand). Cytogenetic location: 11p15.4.
Variant type: single nucleotide variant.
Coding change: c.340G>A on transcript NM_000391.4 (MANE Select); coding-DNA position 340, G replaced by A.
Protein change: p.Val114Met; replaces valine 114 with methionine.
Molecular consequence: missense variant.
Genome position (GRCh38, 1-based): chr11:6,617,666, C>T on the plus strand (G>A on the coding strand, the complement: TPP1 is on the minus strand). VCF-style: chr11-6617666-C-T. GRCh37 (hg19) VCF-style: chr11-6638897-C-T.
Other names: short protein forms V114M.
Identifiers: ClinVar variation 1419526 (VCV001419526.3), dbSNP rs552111650, ClinGen allele CA5858988.
Genomic context (GRCh38, chr11:6,617,666, plus strand): 5'-GAGCAATCATTTCCTCTCACCGGATGCTCAGCCAGCAAGTCAGAAAGTCCTGTGTGATCA[C>T]AGAATGGCACTTCTGGGCTCCGGCTGCCAAGAGCCATTTTTGCACCGTGTGGAGGGTCAG-3'
Protein context (NP_000382.3, residues 104-124): LAAGAQKCHS[Val114Met]ITQDFLTCWL